The following continues an entry in ClinVar:

NM_058216.3(RAD51C):c.635G>A (p.Arg212His)

ClinVar aggregate classification (germline): Conflicting classifications of pathogenicity. Uncertain significance (11); Likely benign (2).

Submissions 10 to 16 of 16:

Sema4
Classification: Uncertain significance for Hereditary cancer-predisposing syndrome. Last evaluated: 2022-01-10. Review status: criteria provided, single submitter. Criteria: Sema4 Curation Guidelines. Collection method: curation. Allele origin: germline.
Comment: The RAD51C c.635G>A (p.R212H) variant has been reported in 5 individuals with breast cancer, Lynch syndrome, and suspected Lynch syndrome (PMID: 29263802, 21597919, 25980754, 25338684). This variant has also been reported in 2 healthy individuals from a breast cancer study, and in 1 individual who did not have RAD51C-related disease. (PMID 21597919, 34426522). This variant was also reported in 9 women with breast cancer in a large dataset of 60,466 women with breast cancer, and 10/53,461 controls (PMID 33471991). This variant was observed in 18/19954 chromosomes in the East Asian population according to the Genome Aggregation Database (PMID: 32461654). This variant has been reported in ClinVar (Variation ID 187633). Functional studies have not been performed, and in silico predictions of the variant's effect on protein function are inconclusive. The overall evidence is insufficient to meet ACMG/AMP criteria for classifying it as benign or pathogenic. In summary, the clinical significance of this variant is currently uncertain.

Department of Pathology and Laboratory Medicine, Sinai Health System
Classification: Uncertain significance for Fanconi anemia complementation group O; Breast-ovarian cancer, familial, susceptibility to, 3. Last evaluated: 2021-07-28. Review status: criteria provided, single submitter. Criteria: ACMG Guidelines, 2015. Collection method: clinical testing. Allele origin: germline. Affected: no.

Quest Diagnostics Nichols Institute San Juan Capistrano
Classification: Uncertain significance. Last evaluated: 2021-03-21. Review status: criteria provided, single submitter. Criteria: Quest Diagnostics criteria. Collection method: clinical testing. Allele origin: unknown.

Cancer Genomics Group, Japanese Foundation For Cancer Research
Classification: Uncertain significance for Hereditary breast and ovarian cancer syndrome. Last evaluated: 2019-05-01. Review status: criteria provided, single submitter. Criteria: ACMG Guidelines, 2015. Collection method: research. Allele origin: germline. Affected: yes.

Counsyl
Classification: Uncertain significance for Fanconi anemia complementation group O. Last evaluated: 2016-08-02. Review status: no assertion criteria provided. Collection method: clinical testing. Allele origin: unknown. Not counted in ClinVar's aggregate classification.

Counsyl
Classification: Uncertain significance for Breast-ovarian cancer, familial, susceptibility to, 3. Last evaluated: 2016-08-02. Review status: no assertion criteria provided. Collection method: clinical testing. Allele origin: unknown. Not counted in ClinVar's aggregate classification.

Laboratory of Molecular Epidemiology of Birth Defects, West China Second University Hospital, Sichuan University
Classification: Likely pathogenic for Ovarian cancer. Last evaluated: 2022-01-01. Review status: flagged submission. Criteria: ACMG Guidelines, 2015. Collection method: clinical testing. Allele origin: germline. Affected: yes. Not counted in ClinVar's aggregate classification.
ClinVar note: Reason: Outlier claim with insufficient supporting evidence

Literature cited by the submitters: PubMed 21597919 (cited by 8 submitters); PubMed 25980754 (cited by 7 submitters); PubMed 29263802 (cited by 5 submitters); PubMed 36562461 (cited by Labcorp Genetics (formerly Invitae), Labcorp and Color Diagnostics, LLC DBA Color Health); PubMed 37253112 (cited by Labcorp Genetics (formerly Invitae), Labcorp); PubMed 25085752 (cited by Myriad Genetics, Inc.); PubMed 25338684 (cited by 3 submitters); PubMed 29641532 (cited by Women's Health and Genetics/Laboratory Corporation of America, LabCorp); PubMed 30982232 (cited by Women's Health and Genetics/Laboratory Corporation of America, LabCorp and Ambry Genetics); PubMed 32068069 (cited by Women's Health and Genetics/Laboratory Corporation of America, LabCorp); PubMed 32658311 (cited by Women's Health and Genetics/Laboratory Corporation of America, LabCorp and Ambry Genetics); PubMed 34284872 (cited by Women's Health and Genetics/Laboratory Corporation of America, LabCorp); PubMed 35039523 (cited by Women's Health and Genetics/Laboratory Corporation of America, LabCorp); PubMed 34426522 (cited by Sema4); PubMed 33471991 (cited by Sema4 and Department of Pathology and Laboratory Medicine, Sinai Health System).